The following is an entry in ClinVar:

ClinVar aggregate classification (germline): Uncertain significance (1 of 4 stars; one submission).

Conditions:
Autoimmune lymphoproliferative syndrome type 2B. Also called: AUTOIMMUNE LYMPHOPROLIFERATIVE SYNDROME, TYPE IIB. Identifiers: Orphanet 275517, MedGen C1846545, MONDO:0011804, OMIM 607271.

Submission:

Labcorp Genetics (formerly Invitae), Labcorp
Classification: Uncertain significance for Autoimmune lymphoproliferative syndrome type 2B. Last evaluated: 2022-10-31. Review status: criteria provided, single submitter. Criteria: Invitae Variant Classification Sherloc (09022015). Collection method: clinical testing. Allele origin: germline.
Comment: This sequence change replaces arginine, which is basic and polar, with isoleucine, which is neutral and non-polar, at codon 194 of the CASP8 protein (p.Arg194Ile). This variant is not present in population databases (gnomAD no frequency). This variant has not been reported in the literature in individuals affected with CASP8-related conditions. Advanced modeling of protein sequence and biophysical properties (such as structural, functional, and spatial information, amino acid conservation, physicochemical variation, residue mobility, and thermodynamic stability) performed at Invitae indicates that this missense variant is not expected to disrupt CASP8 protein function. In summary, the available evidence is currently insufficient to determine the role of this variant in disease. Therefore, it has been classified as a Variant of Uncertain Significance.

NM_001372051.1(CASP8):c.485G>T (p.Arg162Ile)

Gene: CASP8 (caspase 8; plus strand). Cytogenetic location: 2q33.1.
Variant type: single nucleotide variant.
Coding change: c.485G>T on transcript NM_001372051.1 (MANE Select); coding-DNA position 485, G replaced by T.
Protein change: p.Arg162Ile; replaces arginine 162 with isoleucine.
Molecular consequence: missense variant. On other transcripts: 5 prime UTR variant (11), non-coding transcript variant (22).
Genome position (GRCh38, 1-based): chr2:201,272,711, G>T. VCF-style: chr2-201272711-G-T. GRCh37 (hg19) VCF-style: chr2-202137434-G-T.
Other names: c.485G>T, p.Arg162Ile (NM_001080124.2, NM_001400645.1, NM_001400648.1 and 20 more transcripts); c.662G>T, p.Arg221Ile (NM_001080125.2, NM_001400642.1, NM_001400665.1); c.581G>T, p.Arg194Ile (NM_001228.5); c.176G>T, p.Arg59Ile (NM_001400669.1); c.-48G>T (NM_001400671.1, NM_001400672.1, NM_001400673.1 and 6 more transcripts); c.-229G>T (NM_001400674.1); c.-127G>T (NM_001400680.1); short protein forms R162I, R194I, R59I, R221I.
Identifiers: ClinVar variation 2810474 (VCV002810474.2), dbSNP rs2470084084, ClinGen allele CA350289158.